The following is an entry in ClinVar:

NM_001386094.1(AGBL1):c.622G>A (p.Val208Met)

Gene: AGBL1 (AGBL carboxypeptidase 1; plus strand). Cytogenetic location: 15q25.3.
Variant type: single nucleotide variant.
Coding change: c.622G>A on transcript NM_001386094.1 (MANE Select); coding-DNA position 622, G replaced by A.
Protein change: p.Val208Met; replaces valine 208 with methionine.
Molecular consequence: missense variant.
Genome position (GRCh38, 1-based): chr15:86,247,766, G>A. VCF-style: chr15-86247766-G-A. GRCh37 (hg19) VCF-style: chr15-86790997-G-A.
Other names: c.622G>A, p.Val208Met (NM_152336.4); short protein forms V208M.
Identifiers: ClinVar variation 2498623 (VCV002498623.28), dbSNP rs149477284, ClinGen allele CA7715430.

ClinVar aggregate classification (germline): Benign (1 of 4 stars; one submission).

Allele frequency attached by ClinVar (database versions not stated): 1000 Genomes Project 30x 0.00265; 1000 Genomes Project 0.00280; ESP Exome Variant Server 0.00895.
gnomAD v4.1: 15,894 of 1,613,968 alleles (0.98%); highest among the groups gnomAD compares: Non-Finnish European, 1.2%; 110 homozygotes.

Submission:

CeGaT Center for Human Genetics Tuebingen
Classification: Benign. Last evaluated: 2026-06-01. Review status: criteria provided, single submitter. Criteria: CeGaT Center For Human Genetics Tuebingen Variant Classification Criteria Version 2. Collection method: clinical testing. Allele origin: germline. Affected: yes. Observed: 3 variant alleles.
Comment: AGBL1: BP4, BS1, BS2